The following is an entry in ClinVar:

ClinVar aggregate classification (germline): Pathogenic (1 of 4 stars; one submission).

Conditions:
Familial cancer of breast. Also called: hereditary breast carcinoma; Hereditary breast cancer; BREAST CANCER, FAMILIAL. Identifiers: Orphanet 227535, MedGen C0346153, MONDO:0016419, OMIM 114480. Disease mechanism: loss of function.

Submission:

Myriad Genetics, Inc.
Classification: Pathogenic for Familial cancer of breast. Last evaluated: 2024-09-06. Review status: criteria provided, single submitter. Criteria: Myriad Autosomal Dominant, Autosomal Recessive and X-Linked Classification Criteria (2023). Collection method: clinical testing. Allele origin: unknown.
Comment: This variant is considered pathogenic. This variant creates a frameshift predicted to result in premature protein truncation.

NM_000051.4(ATM):c.5719_5721delinsGG (p.Arg1907fs)

Gene: ATM (ATM serine/threonine kinase; plus strand). Cytogenetic location: 11q22.3.
Variant type: Indel.
Coding change: c.5719_5721delinsGG on transcript NM_000051.4 (MANE Select); coding-DNA positions 5719 to 5721, AGA replaced by GG.
Protein change: p.Arg1907fs; shifts the reading frame from arginine 1907.
Molecular consequence: frameshift variant.
Genome position (GRCh38, 1-based): chr11:108,307,941-108,307,943, AGA replaced by GG. VCF-style: chr11-108307941-AGA-GG. GRCh37 (hg19) VCF-style: chr11-108178668-AGA-GG.
Other names: c.5719_5721delinsGG, p.Arg1907fs (NM_001351834.2); short protein forms R1907fs.
Identifiers: ClinVar variation 3379275 (VCV003379275.1).